The following is an entry in ClinVar:

ClinVar aggregate classification (germline): Likely benign. Review status: criteria provided, multiple submitters, no conflicts (2 of 4 stars). 2 submissions from 2 submitters: Likely benign (2). Last evaluated 2024-04-01.

Conditions:
Shprintzen-Goldberg syndrome (SGS). Also called: SHPRINTZEN-GOLDBERG CRANIOSYNOSTOSIS SYNDROME; CRANIOSYNOSTOSIS WITH ARACHNODACTYLY AND ABDOMINAL HERNIAS; Marfanoid disorder with craniosynostosis type 1; Marfanoid craniosynostosis syndrome; Shprintzen-Goldberg marfanoid syndrome. Identifiers: Orphanet 2462, MedGen C1321551, MONDO:0008426, OMIM 182212.

Allele frequency attached by ClinVar (database versions not stated): TOPMed 0.00001.
gnomAD v4.1: 2 of 1,426,488 alleles (0.00014%); highest among the groups gnomAD compares: Non-Finnish European, 0.00018%; no homozygotes.

Submissions (2):

CeGaT Center for Human Genetics Tuebingen
Classification: Likely benign. Last evaluated: 2024-04-01. Review status: criteria provided, single submitter. Criteria: CeGaT Center For Human Genetics Tuebingen Variant Classification Criteria Version 2. Collection method: clinical testing. Allele origin: germline. Affected: yes. Observed: 1 variant allele.
Comment: SKI: BP4, BP7

Labcorp Genetics (formerly Invitae), Labcorp
Classification: Likely benign for Shprintzen-Goldberg syndrome. Last evaluated: 2023-12-15. Review status: criteria provided, single submitter. Criteria: Invitae Variant Classification Sherloc (09022015). Collection method: clinical testing. Allele origin: germline.

NM_003036.4(SKI):c.123C>T (p.Arg41=)

Gene: SKI (SKI proto-oncogene; plus strand). Cytogenetic location: 1p36.33.
Variant type: single nucleotide variant.
Coding change: c.123C>T on transcript NM_003036.4 (MANE Select); coding-DNA position 123, C replaced by T.
Protein change: p.Arg41=; no amino-acid change (arginine 41 retained).
Molecular consequence: synonymous variant.
Genome position (GRCh38, 1-based): chr1:2,228,889, C>T. VCF-style: chr1-2228889-C-T. GRCh37 (hg19) VCF-style: chr1-2160328-C-T.
Identifiers: ClinVar variation 2724336 (VCV002724336.23), dbSNP rs1233566903, ClinGen allele CA415774189.
Genomic context (GRCh38, chr1:2,228,889, plus strand): 5'-GGAGCAGTTCCACCTGAGCTCCATGAGCTCGCTGGGCGGCCCGGCCGCTTTCTCGGCGCG[C>T]TGGGCGCAGGAGGCCTACAAGAAGGAGAGCGCCAAGGAGGCGGGCGCGGCCGCGGTGCCG-3'
Protein context (NP_003027.1, residues 31-51): SLGGPAAFSA[Arg41=]WAQEAYKKES